The following is an entry in ClinVar:

ClinVar aggregate classification (germline): Uncertain significance (1 of 4 stars; one submission).

Conditions:
Cardiomyopathy (CMYO). Also called: Cardiomyopathies. Identifiers: Orphanet 167848, MedGen C0878544, MONDO:0004994, HP:0001638. Inheritance: Various modes of inheritance.

Submission:

All of Us Research Program, National Institutes of Health
Classification: Uncertain significance for Cardiomyopathy. Last evaluated: 2023-03-04. Review status: criteria provided, single submitter. Criteria: ACMG Guidelines, 2015. Collection method: clinical testing. Allele origin: germline. Inheritance: Autosomal dominant inheritance. Observed: 1 variant allele, 1 heterozygote.
Comment: This study involves interpretation of variants in research participants for the purpose of population health screening. Participant phenotype was not available at the time of variant classification. Additional details can be found in publication PMID: 35346344, PMCID: PMC8962531

NM_000257.4(MYH7):c.3034G>A (p.Ala1012Thr)

Gene: MYH7 (myosin heavy chain 7; minus strand). Cytogenetic location: 14q11.2.
Variant type: single nucleotide variant.
Coding change: c.3034G>A on transcript NM_000257.4 (MANE Select); coding-DNA position 3034, G replaced by A.
Protein change: p.Ala1012Thr; replaces alanine 1012 with threonine.
Molecular consequence: missense variant.
Genome position (GRCh38, 1-based): chr14:23,423,612, C>T on the plus strand (G>A on the coding strand, the complement: MYH7 is on the minus strand). VCF-style: chr14-23423612-C-T. GRCh37 (hg19) VCF-style: chr14-23892821-C-T.
Other names: c.3034G>A, p.Ala1012Thr (NM_001407004.1); short protein forms A1012T.
Identifiers: ClinVar variation 3069440 (VCV003069440.1), dbSNP rs2502277853, ClinGen allele CA389045830.
Genomic context (GRCh38, chr14:23,423,612, plus strand): 5'-CCACTTGCTGCTCCAGCTTGACTTTGGCCTTAGTCAGGGTGTTGACCTTGTCCTCCTCGG[C>T]CTGAAGGTCATCCAGAGCCTGTTGGTGGGCCTCTTGCAGAGCTTTCTTCTCCTTGGTCAG-3'
Protein context (NP_000248.2, residues 1002-1022): AHQQALDDLQ[Ala1012Thr]EEDKVNTLTK